The following is an entry in ClinVar:

ClinVar aggregate classification (germline): Uncertain significance (1 of 4 stars; one submission).

gnomAD v4.1: 31 of 1,613,856 alleles (0.0019%); highest among the groups gnomAD compares: Non-Finnish European, 0.0025%; no homozygotes.

Submission:

Ambry Genetics
Classification: Uncertain significance. Last evaluated: 2026-07-02. Review status: criteria provided, single submitter. Criteria: Ambry Variant Classification Scheme 2023. Collection method: clinical testing. Allele origin: germline.
Comment: The p.S7A variant (also known as c.19T>G), located in coding exon 1 of the SCG5 gene, results from a T to G substitution at nucleotide position 19. The serine at codon 7 is replaced by alanine, an amino acid with similar properties. This amino acid position is conserved. In addition, this alteration is predicted to be tolerated by in silico analysis. Based on the available evidence, the clinical significance of this variant remains unclear.

NM_001144757.3(SCG5):c.19T>G (p.Ser7Ala)

Genes: ARHGAP11A-SCG5 (ARHGAP11A-SCG5 readthrough; plus strand), SCG5 (secretogranin V; plus strand). Cytogenetic location: 15q13.3.
Variant type: single nucleotide variant.
Coding change: c.19T>G on transcript NM_001144757.3 (MANE Select); coding-DNA position 19, T replaced by G.
Protein change: p.Ser7Ala; replaces serine 7 with alanine.
Molecular consequence: missense variant.
Genome position (GRCh38, 1-based): chr15:32,643,611, T>G. VCF-style: chr15-32643611-T-G. GRCh37 (hg19) VCF-style: chr15-32935812-T-G.
Other names: c.1261T>G, p.Ser421Ala (NM_001368319.1); c.19T>G, p.Ser7Ala (NM_001394278.1, NM_001394279.1, NM_003020.5); short protein forms S421A, S7A.
Identifiers: ClinVar variation 5029061 (VCV005029061.1).